The following is an entry in ClinVar:

NM_053025.4(MYLK):c.4153C>T (p.Arg1385Cys)

Gene: MYLK (myosin light chain kinase; minus strand). Cytogenetic location: 3q21.1.
Variant type: single nucleotide variant.
Coding change: c.4153C>T on transcript NM_053025.4 (MANE Select); coding-DNA position 4153, C replaced by T.
Protein change: p.Arg1385Cys; replaces arginine 1385 with cysteine.
Molecular consequence: missense variant.
Genome position (GRCh38, 1-based): chr3:123,657,261, G>A on the plus strand (C>T on the coding strand, the complement: MYLK is on the minus strand). VCF-style: chr3-123657261-G-A. GRCh37 (hg19) VCF-style: chr3-123376108-G-A.
Other names: c.3625C>T, p.Arg1209Cys (NM_001321309.2); c.3946C>T, p.Arg1316Cys (NM_053026.4, NM_053028.4); c.4153C>T, p.Arg1385Cys (NM_053027.4); short protein forms R1209C, R1316C, R1385C.
Identifiers: ClinVar variation 857511 (VCV000857511.11), dbSNP rs373683421, ClinGen allele CA070997.

ClinVar aggregate classification (germline): Uncertain significance. Review status: criteria provided, multiple submitters, no conflicts (2 of 4 stars). 4 submissions from 4 submitters: Uncertain significance (4). Last evaluated 2025-03-17.

Conditions:
Megacystis-microcolon-intestinal hypoperistalsis syndrome 1. Identifiers: MedGen C5542316, MONDO:0100354, OMIM 249210.
Aortic aneurysm, familial thoracic 7 (AAT7). Also called: AORTIC DISSECTION, FAMILIAL, WITH OR WITHOUT AORTIC ANEURYSM. Identifiers: MedGen C3151077, MONDO:0013418, OMIM 613780.
Familial thoracic aortic aneurysm and aortic dissection (TAAD). Also called: Thoracic aortic aneurysms and dissections. Identifiers: Orphanet 91387, MedGen C4707243, MONDO:0019625.

Allele frequency attached by ClinVar (database versions not stated): gnomAD exomes 0.00002; ExAC 0.00004; gnomAD 0.00005; TOPMed 0.00005; ESP Exome Variant Server 0.00008; 1000 Genomes Project 30x 0.00016; 1000 Genomes Project 0.00020.
gnomAD v4.1: 32 of 1,614,082 alleles (0.002%); highest among the groups gnomAD compares: African/African-American, 0.011%; no homozygotes.

Submissions (4):

Labcorp Genetics (formerly Invitae), Labcorp
Classification: Uncertain significance for Aortic aneurysm, familial thoracic 7. Last evaluated: 2025-03-17. Review status: criteria provided, single submitter. Criteria: Invitae Variant Classification Sherloc (09022015). Collection method: clinical testing. Allele origin: germline.
Comment: This sequence change replaces arginine, which is basic and polar, with cysteine, which is neutral and slightly polar, at codon 1385 of the MYLK protein (p.Arg1385Cys). This variant is present in population databases (rs373683421, gnomAD 0.03%). This variant has not been reported in the literature in individuals affected with MYLK-related conditions. ClinVar contains an entry for this variant (Variation ID: 857511). Invitae Evidence Modeling of protein sequence and biophysical properties (such as structural, functional, and spatial information, amino acid conservation, physicochemical variation, residue mobility, and thermodynamic stability) indicates that this missense variant is not expected to disrupt MYLK protein function with a negative predictive value of 80%. In summary, the available evidence is currently insufficient to determine the role of this variant in disease. Therefore, it has been classified as a Variant of Uncertain Significance.

GeneDx
Classification: Uncertain significance. Last evaluated: 2024-08-13. Review status: criteria provided, single submitter. Criteria: GeneDx Variant Classification Process June 2021. Collection method: clinical testing. Allele origin: germline. Affected: yes.
Comment: In silico analysis supports that this missense variant has a deleterious effect on protein structure/function; Has not been previously published as pathogenic or benign to our knowledge

Ambry Genetics
Classification: Uncertain significance for Familial thoracic aortic aneurysm and aortic dissection. Last evaluated: 2024-02-09. Review status: criteria provided, single submitter. Criteria: Ambry Variant Classification Scheme 2023. Collection method: clinical testing. Allele origin: germline.
Comment: The p.R1385C variant (also known as c.4153C>T), located in coding exon 21 of the MYLK gene, results from a C to T substitution at nucleotide position 4153. The arginine at codon 1385 is replaced by cysteine, an amino acid with highly dissimilar properties. This amino acid position is conserved. In addition, the in silico prediction for this alteration is inconclusive. Based on the available evidence, the clinical significance of this alteration remains unclear.

Fulgent Genetics
Classification: Uncertain significance for Megacystis-microcolon-intestinal hypoperistalsis syndrome 1; Aortic aneurysm, familial thoracic 7. Last evaluated: 2021-08-30. Review status: criteria provided, single submitter. Criteria: ACMG Guidelines, 2015. Collection method: clinical testing. Allele origin: unknown.